The following is an entry in ClinVar:

NM_025215.6(PUS1):c.431G>A (p.Arg144Gln)

Genes: PUS1 (pseudouridine synthase 1; plus strand), LOC132090059 (Neanderthal introgressed variant-containing enhancer experimental_25941; plus strand). Cytogenetic location: 12q24.33.
Variant type: single nucleotide variant.
Coding change: c.431G>A on transcript NM_025215.6 (MANE Select); coding-DNA position 431, G replaced by A.
Protein change: p.Arg144Gln; replaces arginine 144 with glutamine.
Molecular consequence: missense variant.
Genome position (GRCh38, 1-based): chr12:131,932,302, G>A. VCF-style: chr12-131932302-G-A. GRCh37 (hg19) VCF-style: chr12-132416847-G-A.
Other names: c.347G>A, p.Arg116Gln (NM_001002019.3, NM_001002020.3); short protein forms R116Q, R144Q.
Identifiers: ClinVar variation 4816255 (VCV004816255.1).

ClinVar aggregate classification (germline): Likely pathogenic (1 of 4 stars; one submission).

Conditions:
Myopathy, lactic acidosis, and sideroblastic anemia. Also called: Mitochondrial myopathy and sideroblastic anemia; Myopathy with lactic acidosis and sideroblastic anemia. Identifiers: Orphanet 2598, MedGen C1838103, MONDO:0000863.

gnomAD v4.1: 16 of 1,613,446 alleles (0.00099%); highest among the groups gnomAD compares: East Asian, 0.0022%; no homozygotes.

Submission:

Natera, Inc.
Classification: Likely pathogenic for Mitochondrial myopathy and sideroblastic anemia. Last evaluated: 2025-08-29. Review status: criteria provided, single submitter. Criteria: Natera Variant Classification Schema (03/2026). Collection method: clinical testing. Allele origin: germline.
Comment: The c.431G>A variant in PUS1 is a missense variant predicted to cause substitution of arginine to glutamine at amino acid 144. This variant is rare in the general population with a frequency below the threshold expected for the associated phenotype(s). This variant has been observed in one or more individuals affected with the associated recessive disease, as either homozygous or compound heterozygous with a second variant (PMID: 40438980). Functional studies show that this variant may disrupt protein function (PMID: 18648068). A different variant at the same position has been determined to be Pathogenic or Likely Pathogenic. Computational prediction algorithms indicate this variant is likely to affect gene or protein function. Given the available evidence, this variant is classified as Likely Pathogenic.

Literature cited by the submitters: PubMed 40438980; PubMed 18648068.